The following is an entry in ClinVar:

NM_002473.6(MYH9):c.4270G>C (p.Asp1424His)

Gene: MYH9 (myosin heavy chain 9; minus strand). Cytogenetic location: 22q12.3.
Variant type: single nucleotide variant.
Coding change: c.4270G>C on transcript NM_002473.6 (MANE Select); coding-DNA position 4270, G replaced by C.
Protein change: p.Asp1424His; replaces aspartic acid 1424 with histidine.
Molecular consequence: missense variant.
Genome position (GRCh38, 1-based): chr22:36,292,060, C>G on the plus strand (G>C on the coding strand, the complement: MYH9 is on the minus strand). VCF-style: chr22-36292060-C-G. GRCh37 (hg19) VCF-style: chr22-36688106-C-G.
Other names: short protein forms D1424H.
Identifiers: ClinVar variation 14076 (VCV000014076.4), dbSNP rs80338831, ClinGen allele CA257091.

ClinVar aggregate classification (germline): Pathogenic. Review status: no assertion criteria provided (0 of 4 stars). 2 submissions from 2 submitters: Pathogenic (1). 1 of the submissions does not count toward it. Last evaluated 2000-11-01.

Conditions:
Macrothrombocytopenia and granulocyte inclusions with or without nephritis or sensorineural hearing loss (MATINS). Also called: BLEEDING DISORDER, PLATELET-TYPE, 6; MAY-HEGGLIN ANOMALY; SEBASTIAN PLATELET SYNDROME; MACROTHROMBOCYTOPENIA WITH DISPERSED LEUKOCYTIC INCLUSIONS; MACROTHROMBOCYTOPENIA, NEPHRITIS, AND DEAFNESS; MACROTHROMBOCYTOPENIA, NEPHRITIS, DEAFNESS, AND LEUKOCYTE INCLUSIONS. Identifiers: Orphanet 182050, MedGen C5200934, MONDO:0015912, OMIM 155100.

Submissions (2):

OMIM
Classification: Pathogenic for MACROTHROMBOCYTOPENIA AND GRANULOCYTE INCLUSIONS WITH NEPHRITIS AND SENSORINEURAL HEARING LOSS. Last evaluated: 2000-11-01. Review status: no assertion criteria provided. Collection method: literature only. Allele origin: germline.

GeneReviews
No classification provided. Condition: Macrothrombocytopenia and granulocyte inclusions with or without nephritis or sensorineural hearing loss. Review status: no classification provided. Collection method: literature only. Allele origin: germline. Not counted in ClinVar's aggregate classification.
Comment: Associated with intermediate-to-high risk of developing disease manifestations over time

Literature cited by the submitters: PubMed 11093280 (cited by OMIM); PubMed 10973259 (cited by OMIM); NCBI Bookshelf NBK2689 (cited by GeneReviews).